The following is an entry in ClinVar:

NM_000237.3(LPL):c.1139+1G>A

Gene: LPL (lipoprotein lipase; plus strand). Cytogenetic location: 8p21.3.
Variant type: single nucleotide variant.
Coding change: c.1139+1G>A on transcript NM_000237.3 (MANE Select); the canonical splice donor site of the intron after coding-DNA position 1139, G replaced by A.
Molecular consequence: splice donor variant.
Genome position (GRCh38, 1-based): chr8:19,959,381, G>A. VCF-style: chr8-19959381-G-A. GRCh37 (hg19) VCF-style: chr8-19816892-G-A.
Identifiers: ClinVar variation 973587 (VCV000973587.3), dbSNP rs767260655, ClinGen allele CA4655623.

ClinVar aggregate classification (germline): Likely pathogenic. Review status: criteria provided, multiple submitters, no conflicts (2 of 4 stars). 2 submissions from 2 submitters: Likely pathogenic (2). Last evaluated 2019-08-22.

Conditions:
Cardiovascular phenotype. Identifiers: MedGen CN230736.
Hyperlipoproteinemia, type I. Also called: Hyperlipoproteinemia type 1; Hyperchylomicro-nemia familial; Familial chylomicronemia; Hyperlipemia idiopathic Burger-Grutz type; Familial hyperlipo-proteinemia type 1; Hyperlipemia essential familial. Identifiers: Orphanet 309015, Orphanet 444490, MedGen C0023817, MONDO:0009387, OMIM 238600. Disease mechanism: loss of function.

Allele frequency attached by ClinVar (database versions not stated): gnomAD exomes 0.00001 and below 0.00001; ExAC 0.00001.

Submissions (2):

Ambry Genetics
Classification: Likely pathogenic for Cardiovascular phenotype. Last evaluated: 2019-08-22. Review status: criteria provided, single submitter. Criteria: Ambry Variant Classification Scheme 2023. Collection method: clinical testing. Allele origin: germline.
Comment: The c.1139+1G>A intronic variant results from a G to A substitution one nucleotide after coding exon 7 of the LPL gene. This nucleotide position is highly conserved in available vertebrate species. Using the BDGP and ESEfinder splice site prediction tools, this alteration is predicted to abolish the native splice donor site; however, direct evidence is unavailable. Alterations that disrupt the canonical splice site are expected to cause aberrant splicing, resulting in an abnormal protein or a transcript that is subject to nonsense-mediated mRNA decay. As such, this alteration is classified as likely pathogenic.

CENTOGENE GmbH and LLC - Guiding Precision Medicine
Classification: Likely pathogenic for Lipoprotein lipase deficiency. Review status: criteria provided, single submitter. Criteria: ACMG Guidelines, 2015. Collection method: clinical testing. Allele origin: germline. Affected: yes.